The following is an entry in ClinVar:

ClinVar aggregate classification (germline): Benign/Likely benign. Review status: criteria provided, multiple submitters, no conflicts (2 of 4 stars). 2 submissions from 2 submitters: Benign (1); Likely benign (1). Last evaluated 2025-11-24.

Allele frequency attached by ClinVar (database versions not stated): gnomAD exomes 0.00027 and 0.00069; ExAC 0.00088; gnomAD 0.00285 and 0.00302; TOPMed 0.00301; ESP Exome Variant Server 0.00338; 1000 Genomes Project 0.00559; 1000 Genomes Project 30x 0.00609.

Submissions (2):

Labcorp Genetics (formerly Invitae), Labcorp
Classification: Benign. Last evaluated: 2025-11-24. Review status: criteria provided, single submitter. Criteria: Invitae Variant Classification Sherloc (09022015). Collection method: clinical testing. Allele origin: germline.

CeGaT Center for Human Genetics Tuebingen
Classification: Likely benign. Last evaluated: 2023-01-01. Review status: criteria provided, single submitter. Criteria: CeGaT Center For Human Genetics Tuebingen Variant Classification Criteria Version 2. Collection method: clinical testing. Allele origin: germline. Affected: yes. Observed: 1 variant allele.
Comment: NAXE: BS2

NM_144772.3(NAXE):c.516+9C>A

Gene: NAXE (NAD(P)HX epimerase; plus strand). Cytogenetic location: 1q22.
Variant type: single nucleotide variant.
Coding change: c.516+9C>A on transcript NM_144772.3 (MANE Select); 9 bases into the intron after coding-DNA position 516, C replaced by A.
Molecular consequence: intron variant.
Genome position (GRCh38, 1-based): chr1:156,592,679, C>A. VCF-style: chr1-156592679-C-A. GRCh37 (hg19) VCF-style: chr1-156562471-C-A.
Identifiers: ClinVar variation 709689 (VCV000709689.33), dbSNP rs138816804, ClinGen allele CA1162797.